The following is an entry in ClinVar:

NM_001040142.2(SCN2A):c.5634G>T (p.Gln1878His)

Gene: SCN2A (sodium voltage-gated channel alpha subunit 2; plus strand). Cytogenetic location: 2q24.3.
Variant type: single nucleotide variant.
Coding change: c.5634G>T on transcript NM_001040142.2 (MANE Select); coding-DNA position 5634, G replaced by T.
Protein change: p.Gln1878His; replaces glutamine 1878 with histidine.
Molecular consequence: missense variant.
Genome position (GRCh38, 1-based): chr2:165,389,440, G>T. VCF-style: chr2-165389440-G-T. GRCh37 (hg19) VCF-style: chr2-166245950-G-T.
Other names: c.5634G>T, p.Gln1878His (NM_001040143.2, NM_001371246.1, NM_001371247.1 and 1 more transcripts); short protein forms Q1878H.
Identifiers: ClinVar variation 5008507 (VCV005008507.1).

ClinVar aggregate classification (germline): Uncertain significance (1 of 4 stars; one submission).

Submission:

GeneDx
Classification: Uncertain significance. Last evaluated: 2026-03-04. Review status: criteria provided, single submitter. Criteria: GeneDx Variant Classification Process June 2021. Collection method: clinical testing. Allele origin: germline.
Comment: Not observed at significant frequency in large population cohorts (gnomAD); In silico analysis supports that this missense variant has a deleterious effect on protein structure/function; Has not been previously published as pathogenic or benign to our knowledge; This substitution is predicted to be within the C-terminal cytoplasmic domain